The following is an entry in ClinVar:

NM_148896.5(NPB):c.31G>A (p.Ala11Thr)

Genes: NPB (neuropeptide B; plus strand), PCYT2 (phosphate cytidylyltransferase 2, ethanolamine; minus strand). Cytogenetic location: 17q25.3.
Variant type: single nucleotide variant.
Coding change: c.31G>A on transcript NM_148896.5 (MANE Select); coding-DNA position 31, G replaced by A.
Protein change: p.Ala11Thr; replaces alanine 11 with threonine.
Molecular consequence: missense variant. On other transcripts: 3 prime UTR variant (8).
Genome position (GRCh38, 1-based): chr17:81,902,308, G>A. VCF-style: chr17-81902308-G-A. GRCh37 (hg19) VCF-style: chr17-79860184-G-A.
Other names: c.*2525C>T (NM_001184917.3, NM_001256433.3, NM_001256434.3 and 5 more transcripts); short protein forms A11T.
Identifiers: ClinVar variation 4083843 (VCV004083843.8).

ClinVar aggregate classification (germline): Likely benign (1 of 4 stars; one submission).

gnomAD v4.1: 3,562 of 1,326,850 alleles (0.27%); highest among the groups gnomAD compares: Non-Finnish European, 0.25%; 18 homozygotes.

Submission:

CeGaT Center for Human Genetics Tuebingen
Classification: Likely benign. Last evaluated: 2025-07-01. Review status: criteria provided, single submitter. Criteria: CeGaT Center For Human Genetics Tuebingen Variant Classification Criteria Version 2. Collection method: clinical testing. Allele origin: germline. Affected: yes. Observed: 1 variant allele.
Comment: NPB: BS2